The following is an entry in ClinVar:

ClinVar aggregate classification (germline): Uncertain significance (1 of 4 stars; one submission).

Conditions:
Developmental and epileptic encephalopathy, 18 (DEE18). Also called: Early infantile epileptic encephalopathy 18. Identifiers: Orphanet 369894, MedGen C3809624, MONDO:0014201, OMIM 615476.

Submission:

Juno Genomics, Hangzhou Juno Genomics, Inc
Classification: Uncertain significance for Developmental and epileptic encephalopathy, 18. Review status: criteria provided, single submitter. Criteria: ACMG Guidelines, 2015. Collection method: clinical testing. Allele origin: germline.
Comment: Absent from controls (or at extremely low frequency if recessive) in Genome Aggregation Database.;Multiple lines of computational evidence support a deleterious effect on the gene or gene product.

NM_001365999.1(SZT2):c.3803+45_3803+46insG

Gene: SZT2 (SZT2 subunit of KICSTOR complex; plus strand). Cytogenetic location: 1p34.2.
Variant type: Insertion.
Coding change: c.3803+45_3803+46insG on transcript NM_001365999.1 (MANE Select); bases 45 to 46 of the intron after coding-DNA position 3803, G inserted.
Molecular consequence: intron variant.
Genome position: GRCh38 VCF-style: chr1-43427779-T-TG. GRCh37 (hg19) VCF-style: chr1-43893450-T-TG.
Other names: c.3632+45_3632+46insG (NM_015284.4).
Identifiers: ClinVar variation 5006634 (VCV005006634.2).